The following is an entry in ClinVar:

ClinVar aggregate classification (germline): Uncertain significance. Review status: criteria provided, multiple submitters, no conflicts (2 of 4 stars). 2 submissions from 2 submitters: Uncertain significance (2). Last evaluated 2025-04-03.

Conditions:
Hereditary cancer-predisposing syndrome. Also called: Neoplastic Syndromes, Hereditary; Tumor predisposition; Hereditary Cancer Syndrome; Hereditary neoplastic syndrome. Identifiers: Orphanet 140162, MedGen C0027672, MeSH D009386, MONDO:0015356.
Bloom syndrome (BLM). Also called: Bloom-Torre-Machacek syndrome. Identifiers: Orphanet 125, MedGen C0005859, MONDO:0008876, OMIM 210900.

Allele frequency attached by ClinVar (database versions not stated): gnomAD exomes below 0.00001; TOPMed below 0.00001.
gnomAD v4.1: 2 of 1,614,120 alleles (0.00012%); highest among the groups gnomAD compares: Non-Finnish European, 0.00017%; no homozygotes.

Submissions (2):

Ambry Genetics
Classification: Uncertain significance for Hereditary cancer-predisposing syndrome. Last evaluated: 2025-04-03. Review status: criteria provided, single submitter. Criteria: Ambry Variant Classification Scheme 2023. Collection method: clinical testing. Allele origin: germline.
Comment: The p.I1367V variant (also known as c.4099A>G), located in coding exon 21 of the BLM gene, results from an A to G substitution at nucleotide position 4099. The isoleucine at codon 1367 is replaced by valine, an amino acid with highly similar properties. This amino acid position is poorly conserved in available vertebrate species. In addition, this alteration is predicted to be tolerated by in silico analysis. Since supporting evidence is limited at this time, the clinical significance of this alteration remains unclear.

Labcorp Genetics (formerly Invitae), Labcorp
Classification: Uncertain significance for Bloom syndrome. Last evaluated: 2024-01-28. Review status: criteria provided, single submitter. Criteria: Invitae Variant Classification Sherloc (09022015). Collection method: clinical testing. Allele origin: germline.
Comment: This sequence change replaces isoleucine, which is neutral and non-polar, with valine, which is neutral and non-polar, at codon 1367 of the BLM protein (p.Ile1367Val). This variant is not present in population databases (gnomAD no frequency). This variant has not been reported in the literature in individuals affected with BLM-related conditions. ClinVar contains an entry for this variant (Variation ID: 1737793). Advanced modeling of protein sequence and biophysical properties (such as structural, functional, and spatial information, amino acid conservation, physicochemical variation, residue mobility, and thermodynamic stability) performed at Invitae indicates that this missense variant is not expected to disrupt BLM protein function with a negative predictive value of 80%. In summary, the available evidence is currently insufficient to determine the role of this variant in disease. Therefore, it has been classified as a Variant of Uncertain Significance.

NM_000057.4(BLM):c.4099A>G (p.Ile1367Val)

Gene: BLM (BLM RecQ like helicase; plus strand). Cytogenetic location: 15q26.1.
Variant type: single nucleotide variant.
Coding change: c.4099A>G on transcript NM_000057.4 (MANE Select); coding-DNA position 4099, A replaced by G.
Protein change: p.Ile1367Val; replaces isoleucine 1367 with valine.
Molecular consequence: missense variant.
Genome position (GRCh38, 1-based): chr15:90,815,124, A>G. VCF-style: chr15-90815124-A-G. GRCh37 (hg19) VCF-style: chr15-91358354-A-G.
Other names: c.4099A>G, p.Ile1367Val (NM_001287246.2); c.3706A>G, p.Ile1236Val (NM_001287247.2); c.2974A>G, p.Ile992Val (NM_001287248.2); short protein forms I1367V, I992V, I1236V.
Identifiers: ClinVar variation 1737793 (VCV001737793.6), dbSNP rs912021682, ClinGen allele CA274731512.